The following is an entry in ClinVar:

ClinVar aggregate classification (germline): Likely pathogenic (1 of 4 stars; one submission).

Conditions:
Peroxisome biogenesis disorder 2B (PBD2B). Identifiers: Orphanet 44, MedGen C3550234, MONDO:0008736, OMIM 202370.

Submission:

Labcorp Genetics (formerly Invitae), Labcorp
Classification: Likely pathogenic for Peroxisome biogenesis disorder 2B. Last evaluated: 2024-03-01. Review status: criteria provided, single submitter. Criteria: Invitae Variant Classification Sherloc (09022015). Collection method: clinical testing. Allele origin: germline.
Comment: This variant results in the deletion of part of exon 2 (c.135_147+32del) of the PEX5 gene. It is expected to disrupt RNA splicing. Variants that disrupt the donor or acceptor splice site typically lead to a loss of protein function (PMID: 16199547), and loss-of-function variants in PEX5 are known to be pathogenic (PMID: 18712838, 21031596). This variant is not present in population databases (gnomAD no frequency). This variant has not been reported in the literature in individuals affected with PEX5-related conditions. In summary, the currently available evidence indicates that the variant is pathogenic, but additional data are needed to prove that conclusively. Therefore, this variant has been classified as Likely Pathogenic.

Literature cited by the submitters: PubMed 16199547; PubMed 18712838; PubMed 21031596.

NM_001351132.2(PEX5):c.135_147+32del

Gene: PEX5 (peroxisomal biogenesis factor 5; plus strand). Cytogenetic location: 12p13.31.
Variant type: Deletion.
Coding change: c.135_147+32del on transcript NM_001351132.2 (MANE Select); coding-DNA position 135 through 32 bases into the intron after coding-DNA position 147, 45 bases deleted.
Molecular consequence: splice donor variant. On other transcripts: inframe deletion (3).
Genome position (GRCh38, 1-based): chr12:7,190,512-7,190,556, 45 bases deleted; deleting any 45 consecutive bases within chr12:7,190,511-7,190,556 gives the same sequence; the c. name uses the placement nearest the transcript's 3' end. GRCh37 (hg19): chr12:7,343,108-7,343,152.
Other names: c.135_179del, p.Val50_Ala64del (NM_001131023.2, NM_001351135.3, NM_001351138.2); c.135_147+32del (NM_001351124.3, NM_001131026.2, NM_001351131.2 and 19 more transcripts).
Identifiers: ClinVar variation 2883664 (VCV002883664.3), dbSNP rs2539801815, ClinGen allele CA2739271851.